The following is an entry in ClinVar:

NM_018163.3(DNAJC17):c.381+5G>A

Gene: DNAJC17 (DnaJ heat shock protein family (Hsp40) member C17; minus strand). Cytogenetic location: 15q15.1.
Variant type: single nucleotide variant.
Coding change: c.381+5G>A on transcript NM_018163.3 (MANE Select); 5 bases into the intron after coding-DNA position 381, G replaced by A.
Molecular consequence: intron variant.
Genome position (GRCh38, 1-based): chr15:40,776,537, C>T on the plus strand (G>A on the coding strand, the complement: DNAJC17 is on the minus strand). VCF-style: chr15-40776537-C-T. GRCh37 (hg19) VCF-style: chr15-41068735-C-T.
Identifiers: ClinVar variation 2814933 (VCV002814933.3), dbSNP rs1889328499, ClinGen allele CA2171941798.

ClinVar aggregate classification (germline): Uncertain significance (1 of 4 stars; one submission).

Allele frequency attached by ClinVar (database versions not stated): TOPMed below 0.00001.
gnomAD v4.1: 1 of 1,613,988 alleles (0.000062%); no homozygotes.

Submission:

Labcorp Genetics (formerly Invitae), Labcorp
Classification: Uncertain significance. Last evaluated: 2022-11-29. Review status: criteria provided, single submitter. Criteria: Invitae Variant Classification Sherloc (09022015). Collection method: clinical testing. Allele origin: germline.
Comment: In summary, the available evidence is currently insufficient to determine the role of this variant in disease. Therefore, it has been classified as a Variant of Uncertain Significance. This sequence change falls in intron 5 of the DNAJC17 gene. It does not directly change the encoded amino acid sequence of the DNAJC17 protein. It affects a nucleotide within the consensus splice site. This variant is not present in population databases (gnomAD no frequency). This variant has not been reported in the literature in individuals affected with DNAJC17-related conditions. Variants that disrupt the consensus splice site are a relatively common cause of aberrant splicing (PMID: 17576681, 9536098). Algorithms developed to predict the effect of sequence changes on RNA splicing suggest that this variant is not likely to affect RNA splicing.

Literature cited by the submitters: PubMed 17576681; PubMed 9536098.